The following is an entry in ClinVar:

ClinVar aggregate classification (germline): Benign/Likely benign. Review status: criteria provided, multiple submitters, no conflicts (2 of 4 stars). 4 submissions from 4 submitters: Benign (1); Likely benign (2). 1 of the submissions does not count toward it. Last evaluated 2025-12-23.

Conditions:
SLIT2-related disorder. Also called: SLIT2-related condition.

Allele frequency attached by ClinVar (database versions not stated): gnomAD 0.00379 and 0.00416; ExAC 0.00400; 1000 Genomes Project 0.00120; 1000 Genomes Project 30x 0.00141; gnomAD exomes 0.00376 and 0.00604; TOPMed 0.00426; ESP Exome Variant Server 0.00546.
gnomAD v4.1: 9,319 of 1,611,718 alleles (0.58%); highest among the groups gnomAD compares: Non-Finnish European, 0.71%; 45 homozygotes.

Submissions (4):

Labcorp Genetics (formerly Invitae), Labcorp
Classification: Likely benign. Last evaluated: 2025-12-23. Review status: criteria provided, single submitter. Criteria: Invitae Variant Classification Sherloc (09022015). Collection method: clinical testing. Allele origin: germline.

CeGaT Center for Human Genetics Tuebingen
Classification: Benign. Last evaluated: 2022-10-01. Review status: criteria provided, single submitter. Criteria: CeGaT Center For Human Genetics Tuebingen Variant Classification Criteria Version 2. Collection method: clinical testing. Allele origin: germline. Affected: yes. Observed: 2 variant alleles.
Comment: SLIT2: BS1, BS2

Breakthrough Genomics
Classification: Likely benign. Review status: criteria provided, single submitter. Criteria: ACMG Guidelines, 2015. Collection method: not provided. Allele origin: germline. Inheritance: Unknown mechanism. Affected: yes.

PreventionGenetics, part of Exact Sciences
Classification: Likely benign for SLIT2-related condition. Last evaluated: 2020-02-25. Review status: no assertion criteria provided. Collection method: clinical testing. Allele origin: germline. Not counted in ClinVar's aggregate classification.
Comment: This variant is classified as likely benign based on ACMG/AMP sequence variant interpretation guidelines (Richards et al. 2015 PMID: 25741868, with internal and published modifications).

NM_004787.4(SLIT2):c.4049G>A (p.Ser1350Asn)

Gene: SLIT2 (slit guidance ligand 2; plus strand). Cytogenetic location: 4p15.31.
Variant type: single nucleotide variant.
Coding change: c.4049G>A on transcript NM_004787.4 (MANE Select); coding-DNA position 4049, G replaced by A.
Protein change: p.Ser1350Asn; replaces serine 1350 with asparagine.
Molecular consequence: missense variant.
Genome position (GRCh38, 1-based): chr4:20,617,111, G>A. VCF-style: chr4-20617111-G-A. GRCh37 (hg19) VCF-style: chr4-20618734-G-A.
Other names: c.4037G>A, p.Ser1346Asn (NM_001289135.3); c.4025G>A, p.Ser1342Asn (NM_001289136.3); short protein forms S1350N, S1342N, S1346N.
Identifiers: ClinVar variation 770351 (VCV000770351.34), dbSNP rs115629108, ClinGen allele CA2872346.
Genomic context (GRCh38, chr4:20,617,111, plus strand): 5'-TGCCTGGCTGTGAGCCATGCCACAAGAAGGTGTGTGCCCATGGCACATGCCAGCCCAGCA[G>A]CCAGGCAGGCTTCACCTGCGAGTGCCAGGAAGGATGGATGGGGCCCCTCTGTGACCAACG-3'
Protein context (NP_004778.1, residues 1340-1360): VCAHGTCQPS[Ser1350Asn]QAGFTCECQE